The following is an entry in ClinVar:

ClinVar aggregate classification (germline): Uncertain significance (1 of 4 stars; one submission).

Allele frequency attached by ClinVar (database versions not stated): gnomAD exomes below 0.00001; gnomAD 0.00001; ExAC 0.00002.
gnomAD v4.1: 7 of 1,606,104 alleles (0.00044%); highest among the groups gnomAD compares: Admixed American, 0.0017%; no homozygotes.

Submission:

Labcorp Genetics (formerly Invitae), Labcorp
Classification: Uncertain significance. Last evaluated: 2022-04-24. Review status: criteria provided, single submitter. Criteria: Invitae Variant Classification Sherloc (09022015). Collection method: clinical testing. Allele origin: germline.
Comment: This variant has not been reported in the literature in individuals affected with VPS13C-related conditions. This variant is present in population databases (rs756534061, gnomAD 0.003%). This sequence change replaces arginine, which is basic and polar, with glutamine, which is neutral and polar, at codon 117 of the VPS13C protein (p.Arg117Gln). Algorithms developed to predict the effect of missense changes on protein structure and function are either unavailable or do not agree on the potential impact of this missense change (SIFT: "Tolerated"; PolyPhen-2: "Probably Damaging"; Align-GVGD: "Class C0"). In summary, the available evidence is currently insufficient to determine the role of this variant in disease. Therefore, it has been classified as a Variant of Uncertain Significance.

NM_020821.3(VPS13C):c.350G>A (p.Arg117Gln)

Gene: VPS13C (vacuolar protein sorting 13 homolog C; minus strand). Cytogenetic location: 15q22.2.
Variant type: single nucleotide variant.
Coding change: c.350G>A on transcript NM_020821.3 (MANE Select); coding-DNA position 350, G replaced by A.
Protein change: p.Arg117Gln; replaces arginine 117 with glutamine.
Molecular consequence: missense variant.
Genome position (GRCh38, 1-based): chr15:62,033,476, C>T on the plus strand (G>A on the coding strand, the complement: VPS13C is on the minus strand). VCF-style: chr15-62033476-C-T. GRCh37 (hg19) VCF-style: chr15-62325675-C-T.
Other names: c.350G>A, p.Arg117Gln (NM_001018088.3, NM_017684.5, NM_018080.4); short protein forms R117Q.
Identifiers: ClinVar variation 1975804 (VCV001975804.5), dbSNP rs756534061, ClinGen allele CA7597582.
Genomic context (GRCh38, chr15:62,033,476, plus strand): 5'-AGTTTATCTCAAAAAAACTTTTTACCTTTTTCTGCTGCTTTTTGAAGGGCTTCTTCAATT[C>T]GGGATAGCTCTTTCTGTTTAACATCCTGCAAGGATTTTTCTTCTTTTACAGCATCATACT-3'
Protein context (NP_065872.1, residues 107-127): LQDVKQKELS[Arg117Gln]IEEALQKAAE